The following is an entry in ClinVar:

NM_000540.3(RYR1):c.7736T>G (p.Val2579Gly)

Gene: RYR1 (ryanodine receptor 1; plus strand). Cytogenetic location: 19q13.2.
Variant type: single nucleotide variant.
Coding change: c.7736T>G on transcript NM_000540.3 (MANE Select); coding-DNA position 7736, T replaced by G.
Protein change: p.Val2579Gly; replaces valine 2579 with glycine.
Molecular consequence: missense variant.
Genome position (GRCh38, 1-based): chr19:38,502,628, T>G. VCF-style: chr19-38502628-T-G. GRCh37 (hg19) VCF-style: chr19-38993268-T-G.
Other names: c.7736T>G, p.Val2579Gly (NM_001042723.2); short protein forms V2579G.
Identifiers: ClinVar variation 1014696 (VCV001014696.8), dbSNP rs754579512, ClinGen allele CA308112121.

ClinVar aggregate classification (germline): Uncertain significance (1 of 4 stars; one submission).

Conditions:
RYR1-related disorder. Also called: RYR1-related condition; RYR1-related disorders. Identifiers: MedGen CN239331.

Submission:

Labcorp Genetics (formerly Invitae), Labcorp
Classification: Uncertain significance for RYR1-related disorder. Last evaluated: 2020-03-14. Review status: criteria provided, single submitter. Criteria: Invitae Variant Classification Sherloc (09022015). Collection method: clinical testing. Allele origin: germline.
Comment: In summary, the available evidence is currently insufficient to determine the role of this variant in disease. Therefore, it has been classified as a Variant of Uncertain Significance. Algorithms developed to predict the effect of missense changes on protein structure and function are either unavailable or do not agree on the potential impact of this missense change (SIFT: "Deleterious"; PolyPhen-2: "Benign"; Align-GVGD: "Class C0"). This variant has not been reported in the literature in individuals with RYR1-related conditions. This variant is not present in population databases (ExAC no frequency). This sequence change replaces valine with glycine at codon 2579 of the RYR1 protein (p.Val2579Gly). The valine residue is moderately conserved and there is a moderate physicochemical difference between valine and glycine.